The following is an entry in ClinVar:

ClinVar aggregate classification (germline): Uncertain significance. Review status: criteria provided, multiple submitters, no conflicts (2 of 4 stars). 2 submissions from 2 submitters: Uncertain significance (2). Last evaluated 2025-01-07.

Conditions:
Nephronophthisis 14 (NPHP14). Identifiers: Orphanet 2318, MedGen C3539071, MONDO:0013916, OMIM 614844.

gnomAD v4.1: 2 of 1,614,230 alleles (0.00012%); highest among the groups gnomAD compares: Non-Finnish European, 0.00017%; no homozygotes.

Submissions (2):

Labcorp Genetics (formerly Invitae), Labcorp
Classification: Uncertain significance for Nephronophthisis 14. Last evaluated: 2025-01-07. Review status: criteria provided, single submitter. Criteria: Invitae Variant Classification Sherloc (09022015). Collection method: clinical testing. Allele origin: germline.
Comment: This sequence change replaces arginine, which is basic and polar, with glycine, which is neutral and non-polar, at codon 45 of the ZNF423 protein (p.Arg45Gly). This variant is not present in population databases (gnomAD no frequency). This variant has not been reported in the literature in individuals affected with ZNF423-related conditions. An algorithm developed to predict the effect of missense changes on protein structure and function (PolyPhen-2) suggests that this variant is likely to be tolerated. In summary, the available evidence is currently insufficient to determine the role of this variant in disease. Therefore, it has been classified as a Variant of Uncertain Significance.

Blueprint Genetics
Classification: Uncertain significance. Last evaluated: 2022-09-13. Review status: criteria provided, single submitter. Criteria: ACMG Guidelines, 2015. Collection method: clinical testing. Allele origin: germline.

NM_001379286.1(ZNF423):c.157A>G (p.Arg53Gly)

Gene: ZNF423 (zinc finger protein 423; minus strand). Cytogenetic location: 16q12.1.
Variant type: single nucleotide variant.
Coding change: c.157A>G on transcript NM_001379286.1 (MANE Select); coding-DNA position 157, A replaced by G.
Protein change: p.Arg53Gly; replaces arginine 53 with glycine.
Molecular consequence: missense variant. On other transcripts: 5 prime UTR variant (1).
Genome position (GRCh38, 1-based): chr16:49,730,915, T>C on the plus strand (A>G on the coding strand, the complement: ZNF423 is on the minus strand). VCF-style: chr16-49730915-T-C. GRCh37 (hg19) VCF-style: chr16-49764826-T-C.
Other names: c.-48A>G (NM_001271620.2); c.133A>G, p.Arg45Gly (NM_015069.5); short protein forms R45G, R53G.
Identifiers: ClinVar variation 3633101 (VCV003633101.3).